The following is an entry in ClinVar:

NM_001365276.2(TNXB):c.7405C>T (p.Leu2469=)

Gene: TNXB (tenascin XB; minus strand). Cytogenetic location: 6p21.33.
Variant type: single nucleotide variant.
Coding change: c.7405C>T on transcript NM_001365276.2 (MANE Select); coding-DNA position 7405, C replaced by T.
Protein change: p.Leu2469=; no amino-acid change (leucine 2469 retained).
Molecular consequence: synonymous variant.
Genome position (GRCh38, 1-based): chr6:32,061,484, G>A on the plus strand (C>T on the coding strand, the complement: TNXB is on the minus strand). VCF-style: chr6-32061484-G-A. GRCh37 (hg19) VCF-style: chr6-32029261-G-A.
Other names: p.Leu2469=; c.8146C>T, p.Leu2716= (NM_001428335.1); c.7405C>T, p.Leu2469= (NM_019105.8).
Identifiers: ClinVar variation 4684958 (VCV004684958.1).

ClinVar aggregate classification (germline): Likely benign (1 of 4 stars; one submission).

gnomAD v4.1: 2 of 1,613,496 alleles (0.00012%); highest among the groups gnomAD compares: Non-Finnish European, 0.00017%; no homozygotes.

Submission:

Mayo Clinic Laboratories, Mayo Clinic
Classification: Likely benign. Last evaluated: 2025-10-09. Review status: criteria provided, single submitter. Criteria: ACMG Guidelines, 2015. Collection method: clinical testing. Allele origin: germline. Observed: 2 variant alleles.
Comment: BP4, BP7, PM2_supporting